The following is an entry in ClinVar:

NM_001171613.2(PREPL):c.-49+1888G>A

Gene: PREPL (prolyl endopeptidase like; minus strand). Cytogenetic location: 2p21.
Variant type: single nucleotide variant.
Coding change: c.-49+1888G>A on transcript NM_001171613.2 (MANE Select); 1888 bases into the intron after 49 bases upstream of the start codon, G replaced by A.
Molecular consequence: intron variant.
Genome position (GRCh38, 1-based): chr2:44,359,492, C>T on the plus strand (G>A on the coding strand, the complement: PREPL is on the minus strand). VCF-style: chr2-44359492-C-T. GRCh37 (hg19) VCF-style: chr2-44586631-C-T.
Other names: c.-49+2032G>A (NM_001171617.1); c.219+5G>A (NM_001171603.1, NM_001374275.1, NM_001374276.1 and 4 more transcripts); c.-49+1925G>A (NM_001374277.1).
Identifiers: ClinVar variation 1426983 (VCV001426983.4), dbSNP rs575814799, ClinGen allele CA1641716.

ClinVar aggregate classification (germline): Uncertain significance (1 of 4 stars; one submission).

Conditions:
Myasthenic syndrome, congenital, 22 (CMS22). Also called: PREPL DEFICIENCY. Identifiers: MedGen C4479088, MONDO:0044299, OMIM 616224.

Allele frequency attached by ClinVar (database versions not stated): gnomAD exomes 0.00001 and 0.00003; ExAC 0.00004; gnomAD 0.00004 and 0.00005; TOPMed 0.00004; 1000 Genomes Project 30x 0.00016; 1000 Genomes Project 0.00020.
gnomAD v4.1: 16 of 1,592,244 alleles (0.001%); highest among the groups gnomAD compares: Admixed American, 0.013%; no homozygotes.

Submission:

Labcorp Genetics (formerly Invitae), Labcorp
Classification: Uncertain significance for Myasthenic syndrome, congenital, 22. Last evaluated: 2024-10-17. Review status: criteria provided, single submitter. Criteria: Invitae Variant Classification Sherloc (09022015). Collection method: clinical testing. Allele origin: germline.
Comment: This sequence change falls in intron 1 of the PREPL gene. It does not directly change the encoded amino acid sequence of the PREPL protein. It affects a nucleotide within the consensus splice site. This variant is present in population databases (rs575814799, gnomAD 0.02%). This variant has not been reported in the literature in individuals affected with PREPL-related conditions. ClinVar contains an entry for this variant (Variation ID: 1426983). Variants that disrupt the consensus splice site are a relatively common cause of aberrant splicing (PMID: 17576681, 9536098). Algorithms developed to predict the effect of sequence changes on RNA splicing suggest that this variant may disrupt the consensus splice site. In summary, the available evidence is currently insufficient to determine the role of this variant in disease. Therefore, it has been classified as a Variant of Uncertain Significance.

Literature cited by the submitters: PubMed 17576681; PubMed 9536098.